The following is an entry in ClinVar:

ClinVar aggregate classification (germline): Benign (0 of 4 stars; one submission).

Conditions:
STYXL1-related disorder. Also called: STYXL1-related condition.

Allele frequency attached by ClinVar (database versions not stated): 1000 Genomes Project 0.00719; ESP Exome Variant Server 0.00723; 1000 Genomes Project 30x 0.00765.
gnomAD v4.1: 2,219 of 1,614,188 alleles (0.14%); highest among the groups gnomAD compares: African/African-American, 2.3%; 27 homozygotes.

Submission:

PreventionGenetics, part of Exact Sciences
Classification: Benign for STYXL1-related condition. Last evaluated: 2019-02-21. Review status: no assertion criteria provided. Collection method: clinical testing. Allele origin: germline.
Comment: This variant is classified as benign based on ACMG/AMP sequence variant interpretation guidelines (Richards et al. 2015 PMID: 25741868, with internal and published modifications).

NM_001317785.2(STYXL1):c.931C>G (p.Pro311Ala)

Gene: STYXL1 (serine/threonine/tyrosine interacting like 1; minus strand). Cytogenetic location: 7q11.23.
Variant type: single nucleotide variant.
Coding change: c.931C>G on transcript NM_001317785.2 (MANE Select); coding-DNA position 931, C replaced by G.
Protein change: p.Pro311Ala; replaces proline 311 with alanine.
Molecular consequence: missense variant. On other transcripts: 3 prime UTR variant (1), non-coding transcript variant (2).
Genome position (GRCh38, 1-based): chr7:75,996,479, G>C on the plus strand (C>G on the coding strand, the complement: STYXL1 is on the minus strand). VCF-style: chr7-75996479-G-C. GRCh37 (hg19) VCF-style: chr7-75625797-G-C.
Other names: c.931C>G, p.Pro311Ala (NM_001317786.2, NM_016086.3); c.643C>G, p.Pro215Ala (NM_001317787.2); c.*140C>G (NM_001317788.2); c.517C>G, p.Pro173Ala (NM_001317789.1); short protein forms P173A, P215A, P311A.
Identifiers: ClinVar variation 3042540 (VCV003042540.2), dbSNP rs150015474, ClinGen allele CA4305004.